The following is an entry in ClinVar:

NM_020812.4(DOCK6):c.3154G>A (p.Glu1052Lys)

Gene: DOCK6 (dedicator of cytokinesis 6; minus strand). Cytogenetic location: 19p13.2.
Variant type: single nucleotide variant.
Coding change: c.3154G>A on transcript NM_020812.4 (MANE Select); coding-DNA position 3154, G replaced by A.
Protein change: p.Glu1052Lys; replaces glutamic acid 1052 with lysine.
Molecular consequence: missense variant.
Genome position (GRCh38, 1-based): chr19:11,222,821, C>T on the plus strand (G>A on the coding strand, the complement: DOCK6 is on the minus strand). VCF-style: chr19-11222821-C-T. GRCh37 (hg19) VCF-style: chr19-11333497-C-T.
Other names: c.3259G>A, p.Glu1087Lys (NM_001367830.1); short protein forms E1052K, E1087K.
Identifiers: ClinVar variation 253048 (VCV000253048.3), dbSNP rs774877657, ClinGen allele CA9207345.

ClinVar aggregate classification (germline): Uncertain significance. Review status: criteria provided, single submitter (1 of 4 stars). 2 submissions from 2 submitters: Uncertain significance (1). 1 of the submissions does not count toward it. Last evaluated 2023-07-17.

Conditions:
DOCK6-related disorder. Also called: DOCK6-related condition.
Adams-Oliver syndrome 2 (AOS2). Identifiers: Orphanet 974, MedGen C3280182, MONDO:0013635, OMIM 614219.

Allele frequency attached by ClinVar (database versions not stated): ExAC 0.00002.

Submissions (2):

PreventionGenetics, part of Exact Sciences
Classification: Uncertain significance for DOCK6-related condition. Last evaluated: 2023-07-17. Review status: criteria provided, single submitter. Criteria: ACMG Guidelines, 2015. Collection method: clinical testing. Allele origin: germline.
Comment: The DOCK6 c.3154G>A variant is predicted to result in the amino acid substitution p.Glu1052Lys. This variant was reported in the homozygous state in an individual with Adams-Oliver syndrome (Sukalo et al. 2015. PubMed ID: 25824905). This variant is reported in 0.0062% of alleles in individuals of East Asian descent in gnomAD. At this time, the clinical significance of this variant is uncertain due to the absence of conclusive functional and genetic evidence.

OMIM
Classification: Pathogenic for ADAMS-OLIVER SYNDROME 2. Last evaluated: 2023-11-01. Review status: no assertion criteria provided. Collection method: literature only. Allele origin: germline. Not counted in ClinVar's aggregate classification.

Literature cited by the submitters: PubMed 17159513 (cited by OMIM); PubMed 25824905 (cited by OMIM).